The following is an entry in ClinVar:

ClinVar aggregate classification (germline): Benign. Review status: criteria provided, multiple submitters, no conflicts (2 of 4 stars). 2 submissions from 2 submitters: Benign (2). Last evaluated 2018-06-14.

Allele frequency attached by ClinVar (database versions not stated): 1000 Genomes Project 30x 0.96908; TOPMed 0.96956; gnomAD 0.97073 and 0.97293; 1000 Genomes Project 0.97105; gnomAD exomes 0.99665.
gnomAD v4.1: 517,785 of 523,184 alleles (99%); highest among the groups gnomAD compares: East Asian, 100%; 256,415 homozygotes.

Submissions (2):

GeneDx
Classification: Benign. Last evaluated: 2018-06-14. Review status: criteria provided, single submitter. Criteria: GeneDx Variant Classification (06012015). Collection method: clinical testing. Allele origin: germline. Affected: yes.
Comment: This variant is considered likely benign or benign based on one or more of the following criteria: it is a conservative change, it occurs at a poorly conserved position in the protein, it is predicted to be benign by multiple in silico algorithms, and/or has population frequency not consistent with disease.

Breakthrough Genomics
Classification: Benign. Review status: criteria provided, single submitter. Criteria: ACMG Guidelines, 2015. Collection method: not provided. Allele origin: germline. Inheritance: Autosomal dominant inheritance. Affected: yes.

NM_001134363.3(RBM20):c.3573+194A>G

Gene: RBM20 (RNA binding motif protein 20; plus strand). Cytogenetic location: 10q25.2.
Variant type: single nucleotide variant.
Coding change: c.3573+194A>G on transcript NM_001134363.3 (MANE Select); 194 bases into the intron after coding-DNA position 3573, A replaced by G.
Molecular consequence: intron variant.
Genome position (GRCh38, 1-based): chr10:110,831,376, A>G. VCF-style: chr10-110831376-A-G. GRCh37 (hg19) VCF-style: chr10-112591134-A-G.
Identifiers: ClinVar variation 672038 (VCV000672038.2), dbSNP rs7895891, ClinGen allele CA213235123.